The following is an entry in ClinVar:

ClinVar aggregate classification (germline): Pathogenic/Likely pathogenic. Review status: criteria provided, multiple submitters, no conflicts (2 of 4 stars). 2 submissions from 2 submitters: Pathogenic (1); Likely pathogenic (1). Last evaluated 2022-07-05.

Conditions:
Inborn genetic diseases. Identifiers: MedGen C0950123, MeSH D030342.

Allele frequency attached by ClinVar (database versions not stated): gnomAD 0.00002 and 0.00003; ExAC 0.00003; TOPMed 0.00003; gnomAD exomes 0.00004.
gnomAD v4.1: 34 of 1,608,248 alleles (0.0021%); highest among the groups gnomAD compares: South Asian, 0.022%; no homozygotes.

Submissions (2):

Ambry Genetics
Classification: Pathogenic for Inborn genetic diseases. Last evaluated: 2022-07-05. Review status: criteria provided, single submitter. Criteria: Ambry Variant Classification Scheme 2023. Collection method: clinical testing. Allele origin: germline.
Comment: The c.943C>T (p.R315*) alteration, located in exon 9 (coding exon 9) of the FDXR gene, consists of a C to T substitution at nucleotide position 943. This changes the amino acid from an arginine (R) to a stop codon at amino acid position 315. This alteration is expected to result in loss of function by premature protein truncation or nonsense-mediated mRNA decay. This alteration has been reported in trans with a second FDXR variant in an individual with global developmental delay, regression, cerebellar swelling, ataxia, decreased muscle strength, and retinopathy (Peng, 2017). Based on the available evidence, this alteration is classified as pathogenic.

GeneDx
Classification: Likely pathogenic. Last evaluated: 2019-02-06. Review status: criteria provided, single submitter. Criteria: GeneDx Variant Classification (06012015). Collection method: clinical testing. Allele origin: germline. Affected: yes.
Comment: The R315X variant in the FDXR gene has been reported previously as compound heterozygous with the P409L variant in an individual with global developmental delay and regression, hypotonia, likely optic atrophy, cerebellar swelling, and ataxia (Peng et al., 2017). This variant is predicted to cause loss of normal protein function either through protein truncation or nonsense-mediated mRNA decay. Although not observed as homozygous, the R315X variant is observed in 9/30698 (0.029%) alleles from individuals of South Asian background and 11/238930 (0.0046%) total alleles in large population cohorts (Lek et al., 2016). We interpret R315X as a likely pathogenic variant.

Literature cited by the submitters: PubMed 29040572 (cited by Ambry Genetics).

NM_024417.5(FDXR):c.925C>T (p.Arg309Ter)

Gene: FDXR (ferredoxin reductase; minus strand). Cytogenetic location: 17q25.1.
Variant type: single nucleotide variant.
Coding change: c.925C>T on transcript NM_024417.5 (MANE Select); coding-DNA position 925, C replaced by T.
Protein change: p.Arg309Ter; replaces arginine 309 with a stop codon.
Molecular consequence: nonsense. On other transcripts: non-coding transcript variant (1).
Genome position (GRCh38, 1-based): chr17:74,864,225, G>A on the plus strand (C>T on the coding strand, the complement: FDXR is on the minus strand). VCF-style: chr17-74864225-G-A. GRCh37 (hg19) VCF-style: chr17-72860347-G-A.
Other names: c.1054C>T, p.Arg352Ter (NM_001258012.4); c.1018C>T, p.Arg340Ter (NM_001258013.4); c.901C>T, p.Arg301Ter (NM_001258014.4); c.805C>T, p.Arg269Ter (NM_001258015.3); c.769C>T, p.Arg257Ter (NM_001258016.3); c.943C>T, p.Arg315Ter (NM_004110.6); c.943C>T (NM_004110.3); short protein forms R315*, R340*, R309*, R269*, R257*, R301*, R352*.
Identifiers: ClinVar variation 816954 (VCV000816954.3), dbSNP rs760030067, ClinGen allele CA8752980.